The following is an entry in ClinVar:

NM_006015.6(ARID1A):c.163G>A (p.Gly55Arg)

Gene: ARID1A (AT-rich interaction domain 1A; plus strand). Cytogenetic location: 1p36.11.
Variant type: single nucleotide variant.
Coding change: c.163G>A on transcript NM_006015.6 (MANE Select); coding-DNA position 163, G replaced by A.
Protein change: p.Gly55Arg; replaces glycine 55 with arginine.
Molecular consequence: missense variant.
Genome position (GRCh38, 1-based): chr1:26,696,566, G>A. VCF-style: chr1-26696566-G-A. GRCh37 (hg19) VCF-style: chr1-27023057-G-A.
Other names: c.163G>A, p.Gly55Arg (NM_139135.4); short protein forms G55R.
Identifiers: ClinVar variation 976860 (VCV000976860.1), dbSNP rs1482791997, ClinGen allele CA339264530.
Genomic context (GRCh38, chr1:26,696,566, plus strand): 5'-GCGGGGGGCGAGGCGGCGGCGGCGGCAGCGGCCGAGCGCGGGGAAATGAAGGCAGCCGCC[G>A]GGCAGGAAAGCGAGGGCCCCGCCGTGGGGCCGCCGCAGCCGCTGGGAAAGGAGCTGCAGG-3'
Protein context (NP_006006.3, residues 45-65): AERGEMKAAA[Gly55Arg]QESEGPAVGP

ClinVar aggregate classification (germline): Uncertain significance (0 of 4 stars; one submission).

Conditions:
Intellectual disability, autosomal dominant 14 (CSS2). Also called: COFFIN-SIRIS SYNDROME 2. Identifiers: Orphanet 1465, MedGen C3553247, MONDO:0013819, OMIM 614607.

Allele frequency attached by ClinVar (database versions not stated): TOPMed below 0.00001; gnomAD 0.00001.
gnomAD v4.1: 3 of 1,228,222 alleles (0.00024%); highest among the groups gnomAD compares: Non-Finnish European, 0.0003%; no homozygotes.

Submission:

Clinical Genomics Laboratory, Stanford Medicine
Classification: Uncertain significance for Intellectual disability, autosomal dominant 14. Last evaluated: 2020-06-19. Review status: no assertion criteria provided. Collection method: clinical testing. Allele origin: germline. Inheritance: Autosomal dominant inheritance. Affected: yes.
Comment: This variant was absent from large population databases, including the Genome Aggregation Database. The ARID1A gene has fewer missense variants in the general population than expected. A low rate of missense variation may suggest that this gene is intolerant to missense variation. These data were assessed using the ACMG/AMP variant interpretation guidelines. In summary, the significance of the p.Gly55Arg variant is uncertain. Additional information is needed to resolve the significance of this variant. [ACMG evidence codes used: PS2_Supporting;PM2; PP2]